The following is an entry in ClinVar:

NM_015295.3(SMCHD1):c.4165+149G>A

Gene: SMCHD1 (structural maintenance of chromosomes flexible hinge domain containing 1; plus strand). Cytogenetic location: 18p11.32.
Variant type: single nucleotide variant.
Coding change: c.4165+149G>A on transcript NM_015295.3 (MANE Select); 149 bases into the intron after coding-DNA position 4165, G replaced by A.
Molecular consequence: intron variant.
Genome position (GRCh38, 1-based): chr18:2,750,656, G>A. VCF-style: chr18-2750656-G-A. GRCh37 (hg19) VCF-style: chr18-2750654-G-A.
Identifiers: ClinVar variation 1703360 (VCV001703360.2), dbSNP rs116167440, ClinGen allele CA295479564.
Genomic context (GRCh38, chr18:2,750,656, plus strand): 5'-CTCAGTCTAATGTAGGAGACAGGGAAGCAAATGATTTCAATATCATGTTGCAGATGTTAA[G>A]TCAATAGGAAATTAGTTTTTGTTTTACACAAATAATTTTCTGGAAGACTTCTGTTTTCTT-3'

ClinVar aggregate classification (germline): Likely benign (1 of 4 stars; one submission).

Allele frequency attached by ClinVar (database versions not stated): gnomAD exomes 0.00038; gnomAD 0.00447; TOPMed 0.00481; 1000 Genomes Project 0.00639.
gnomAD v4.1: 866 of 613,250 alleles (0.14%); highest among the groups gnomAD compares: African/African-American, 1.5%; 6 homozygotes.

Submission:

GeneDx
Classification: Likely benign. Last evaluated: 2022-02-27. Review status: criteria provided, single submitter. Criteria: GeneDx Variant Classification Process June 2021. Collection method: clinical testing. Allele origin: germline. Affected: yes.
Comment: See Variant Classification Assertion Criteria.